The following is an entry in ClinVar:

ClinVar aggregate classification (germline): Likely pathogenic (1 of 4 stars; one submission).

Submission:

Labcorp Genetics (formerly Invitae), Labcorp
Classification: Likely pathogenic. Last evaluated: 2025-01-19. Review status: criteria provided, single submitter. Criteria: Invitae Variant Classification Sherloc (09022015). Collection method: clinical testing. Allele origin: germline.
Comment: This sequence change affects a donor splice site in intron 6 of the DENND5A gene. It is expected to disrupt RNA splicing. Variants that disrupt the donor or acceptor splice site typically lead to a loss of protein function (PMID: 16199547), and loss-of-function variants in DENND5A are known to be pathogenic (PMID: 27431290, 27866705). This variant is not present in population databases (gnomAD no frequency). This variant has not been reported in the literature in individuals affected with DENND5A-related conditions. ClinVar contains an entry for this variant (Variation ID: 2794821). Algorithms developed to predict the effect of sequence changes on RNA splicing suggest that this variant may disrupt the consensus splice site. In summary, the currently available evidence indicates that the variant is pathogenic, but additional data are needed to prove that conclusively. Therefore, this variant has been classified as Likely Pathogenic.

Literature cited by the submitters: PubMed 16199547; PubMed 27431290; PubMed 27866705.

NM_015213.4(DENND5A):c.1455+1G>A

Gene: DENND5A (DENN domain containing 5A; minus strand). Cytogenetic location: 11p15.4.
Variant type: single nucleotide variant.
Coding change: c.1455+1G>A on transcript NM_015213.4 (MANE Select); the canonical splice donor site of the intron after coding-DNA position 1455, G replaced by A.
Molecular consequence: splice donor variant.
Genome position (GRCh38, 1-based): chr11:9,180,766, C>T on the plus strand (G>A on the coding strand, the complement: DENND5A is on the minus strand). VCF-style: chr11-9180766-C-T. GRCh37 (hg19) VCF-style: chr11-9202313-C-T.
Other names: c.1383+1G>A (NM_001348749.2); c.1455+1G>A (NM_001243254.2); c.1167+1G>A (NM_001348750.2).
Identifiers: ClinVar variation 2794821 (VCV002794821.3), dbSNP rs2493836772, ClinGen allele CA379616625.
Genomic context (GRCh38, chr11:9,180,766, plus strand): 5'-TTCACCAGGACAGCACCCTAGCACAGATCACACGTGTCACAGACTCATATACACATCTTA[C>T]CTTTTCCAGGCTCACCCCAGTTCTCTTGACCAAGGCTTGCAGCCGGGCAATAGTTTCATT-3'